The following is an entry in ClinVar:

ClinVar aggregate classification (germline): Pathogenic (1 of 4 stars; one submission).

Conditions:
Global developmental delay with or without impaired intellectual development. Identifiers: MedGen C5193032, MONDO:0032680, OMIM 618330.

Submission:

Clinical and Biomedical Sciences, University of Exeter
Classification: Pathogenic for Global developmental delay with or without impaired intellectual development. Last evaluated: 2022-12-20. Review status: criteria provided, single submitter. Criteria: ACMG Guidelines, 2015. Collection method: research. Allele origin: de novo. Affected: yes. Observed: 1 variant allele. Study: 100,000 Genomes Project.
Comment: De novo translocation with small deletions at each breakpoint. The chromosome 7 breakpoint disrupts CUX1 which is a gene with a pLI score of 1.000 according to gnomAD database (v2.1.1)

t(7;10)(q22.1;q26.3)

Genes: CUX1 (cut like homeobox 1; plus strand), LOC126860127 (CDK7 strongly-dependent group 2 enhancer GRCh37_chr7:101841732-101842931; plus strand), LOC129999029 (ATAC-STARR-seq lymphoblastoid active region 26420; plus strand). Cytogenetic location: 10q26.3.
Variant type: Translocation.
Identifiers: ClinVar variation 1804166 (VCV001804166.1).